The following is an entry in ClinVar:

NM_005343.4(HRAS):c.44G>C (p.Gly15Ala)

Genes: HRAS (HRas proto-oncogene, GTPase; minus strand), LRRC56 (leucine rich repeat containing 56; plus strand). Cytogenetic location: 11p15.5.
Variant type: single nucleotide variant.
Coding change: c.44G>C on transcript NM_005343.4 (MANE Select); coding-DNA position 44, G replaced by C.
Protein change: p.Gly15Ala; replaces glycine 15 with alanine.
Molecular consequence: missense variant. On other transcripts: 5 prime UTR variant (1).
Genome position (GRCh38, 1-based): chr11:534,279, C>G on the plus strand (G>C on the coding strand, the complement: HRAS is on the minus strand). VCF-style: chr11-534279-C-G. GRCh37 (hg19) VCF-style: chr11-534279-C-G.
Other names: c.44G>C, p.Gly15Ala (NM_001130442.3, NM_176795.5); c.-276G>C (NM_001318054.2); short protein forms G15A.
Identifiers: ClinVar variation 1381958 (VCV001381958.6), dbSNP rs1554885139, ClinGen allele CA378925961.

ClinVar aggregate classification (germline): Uncertain significance (1 of 4 stars; one submission).

Conditions:
Costello syndrome (CSTLO). Also called: FCS SYNDROME; FACIOCUTANEOSKELETAL SYNDROME; HRAS-Related Costello Syndrome. Identifiers: Orphanet 3071, MedGen C0587248, MONDO:0009026, OMIM 218040.

Submission:

Labcorp Genetics (formerly Invitae), Labcorp
Classification: Uncertain significance for Costello syndrome. Last evaluated: 2022-06-09. Review status: criteria provided, single submitter. Criteria: Invitae Variant Classification Sherloc (09022015). Collection method: clinical testing. Allele origin: germline.
Comment: In summary, the available evidence is currently insufficient to determine the role of this variant in disease. Therefore, it has been classified as a Variant of Uncertain Significance. Advanced modeling of protein sequence and biophysical properties (such as structural, functional, and spatial information, amino acid conservation, physicochemical variation, residue mobility, and thermodynamic stability) performed at Invitae indicates that this missense variant is expected to disrupt HRAS protein function. This variant has not been reported in the literature in individuals affected with HRAS-related conditions. This variant is not present in population databases (gnomAD no frequency). This sequence change replaces glycine, which is neutral and non-polar, with alanine, which is neutral and non-polar, at codon 15 of the HRAS protein (p.Gly15Ala).